The following is an entry in ClinVar:

NM_005632.3(CAPN15):c.2986G>T (p.Ala996Ser)

Gene: CAPN15 (calpain 15; plus strand). Cytogenetic location: 16p13.3.
Variant type: single nucleotide variant.
Coding change: c.2986G>T on transcript NM_005632.3 (MANE Select); coding-DNA position 2986, G replaced by T.
Protein change: p.Ala996Ser; replaces alanine 996 with serine.
Molecular consequence: missense variant.
Genome position (GRCh38, 1-based): chr16:552,944, G>T. VCF-style: chr16-552944-G-T. GRCh37 (hg19) VCF-style: chr16-602944-G-T.
Other names: short protein forms A996S.
Identifiers: ClinVar variation 4218837 (VCV004218837.2).

ClinVar aggregate classification (germline): Likely benign. Review status: criteria provided, multiple submitters, no conflicts (2 of 4 stars). 2 submissions from 2 submitters: Likely benign (2). Last evaluated 2026-07-01.

gnomAD v4.1: 458 of 1,612,014 alleles (0.028%); highest among the groups gnomAD compares: Admixed American, 0.75%; 5 homozygotes.

Submissions (2):

CeGaT Center for Human Genetics Tuebingen
Classification: Likely benign. Last evaluated: 2026-07-01. Review status: criteria provided, single submitter. Criteria: CeGaT Center For Human Genetics Tuebingen Variant Classification Criteria Version 2. Collection method: clinical testing. Allele origin: germline. Affected: yes. Observed: 2 variant alleles.
Comment: CAPN15: BP4

Ambry Genetics
Classification: Likely benign. Last evaluated: 2025-08-14. Review status: criteria provided, single submitter. Criteria: Ambry Variant Classification Scheme 2023. Collection method: clinical testing. Allele origin: germline.